The following is an entry in ClinVar:

ClinVar aggregate classification (germline): Uncertain significance (1 of 4 stars; one submission).

Conditions:
GGCX-related disorder. Also called: GGCX-related condition; GGCX - Related Disorders.

gnomAD v4.1: 10 of 1,614,010 alleles (0.00062%); highest among the groups gnomAD compares: East Asian, 0.0022%; no homozygotes.

Submission:

PreventionGenetics, part of Exact Sciences
Classification: Uncertain significance for GGCX-related condition. Last evaluated: 2026-08-03. Review status: criteria provided, single submitter. Criteria: ACMG Guidelines, 2015. Collection method: clinical testing. Allele origin: germline.
Comment: The GGCX c.239C>T variant is predicted to result in the amino acid substitution p.Pro80Leu. This variant has been reported in cis with another variant (c.1595T>C, p.Ile532Thr) and in trans with a third GGCX variant in an individual with vitamin-K-dependent coagulation factor deficiency (Lunghi et al. 2011. PubMed ID: 21435120). The functional study showed that this variant does not affect GGCX function (Hao et al. 2021. PubMed ID: 33507293). This variant has not been reported in a large population database (gnomAD), indicating this variant is rare. At this time, the clinical significance of this variant is uncertain due to the absence of conclusive functional and genetic evidence.

NM_000821.7(GGCX):c.239C>T (p.Pro80Leu)

Gene: GGCX (gamma-glutamyl carboxylase; minus strand). Cytogenetic location: 2p11.2.
Variant type: single nucleotide variant.
Coding change: c.239C>T on transcript NM_000821.7 (MANE Select); coding-DNA position 239, C replaced by T.
Protein change: p.Pro80Leu; replaces proline 80 with leucine.
Molecular consequence: missense variant.
Genome position (GRCh38, 1-based): chr2:85,559,051, G>A on the plus strand (C>T on the coding strand, the complement: GGCX is on the minus strand). VCF-style: chr2-85559051-G-A. GRCh37 (hg19) VCF-style: chr2-85786174-G-A.
Other names: c.68C>T, p.Pro23Leu (NM_001142269.4); c.239C>T, p.Pro80Leu (NM_001311312.3); short protein forms P23L, P80L.
Identifiers: ClinVar variation 4996345 (VCV004996345.1).